The following is an entry in ClinVar:

NM_001371986.1(UNC80):c.1725G>A (p.Ala575=)

Gene: UNC80 (unc-80 subunit of NALCN channel complex; plus strand). Cytogenetic location: 2q34.
Variant type: single nucleotide variant.
Coding change: c.1725G>A on transcript NM_001371986.1 (MANE Select); coding-DNA position 1725, G replaced by A.
Protein change: p.Ala575=; no amino-acid change (alanine 575 retained).
Molecular consequence: synonymous variant.
Genome position (GRCh38, 1-based): chr2:209,819,024, G>A. VCF-style: chr2-209819024-G-A. GRCh37 (hg19) VCF-style: chr2-210683748-G-A.
Other names: c.1725G>A, p.Ala575= (NM_032504.2, NM_182587.4).
Identifiers: ClinVar variation 789566 (VCV000789566.14), dbSNP rs77323032, ClinGen allele CA2082969.

ClinVar aggregate classification (germline): Benign. Review status: criteria provided, multiple submitters, no conflicts (2 of 4 stars). 3 submissions from 3 submitters: Benign (2). 1 of the submissions does not count toward it. Last evaluated 2026-02-03.

Conditions:
UNC80-related disorder. Also called: UNC80-related condition.

Allele frequency attached by ClinVar (database versions not stated): gnomAD exomes 0.00120 and 0.00299; ExAC 0.00382; ESP Exome Variant Server 0.00986; 1000 Genomes Project 0.01158; gnomAD 0.01208 and 0.01290; 1000 Genomes Project 30x 0.01265; TOPMed 0.01321.
gnomAD v4.1: 3,644 of 1,551,572 alleles (0.23%); highest among the groups gnomAD compares: African/African-American, 4%; 76 homozygotes.

Submissions (3):

Labcorp Genetics (formerly Invitae), Labcorp
Classification: Benign. Last evaluated: 2026-02-03. Review status: criteria provided, single submitter. Criteria: Invitae Variant Classification Sherloc (09022015). Collection method: clinical testing. Allele origin: germline.

Breakthrough Genomics
Classification: Benign. Review status: criteria provided, single submitter. Criteria: ACMG Guidelines, 2015. Collection method: not provided. Allele origin: germline. Inheritance: Autosomal recessive inheritance. Affected: yes.

PreventionGenetics, part of Exact Sciences
Classification: Benign for UNC80-related condition. Last evaluated: 2019-07-19. Review status: no assertion criteria provided. Collection method: clinical testing. Allele origin: germline. Not counted in ClinVar's aggregate classification.
Comment: This variant is classified as benign based on ACMG/AMP sequence variant interpretation guidelines (Richards et al. 2015 PMID: 25741868, with internal and published modifications).